The following is an entry in ClinVar:

NM_003079.5(SMARCE1):c.611G>A (p.Ser204Asn)

Gene: SMARCE1 (SWI/SNF related BAF chromatin remodeling complex subunit E1; minus strand). Cytogenetic location: 17q21.2.
Variant type: single nucleotide variant.
Coding change: c.611G>A on transcript NM_003079.5 (MANE Select); coding-DNA position 611, G replaced by A.
Protein change: p.Ser204Asn; replaces serine 204 with asparagine.
Molecular consequence: missense variant.
Genome position (GRCh38, 1-based): chr17:40,632,298, C>T on the plus strand (G>A on the coding strand, the complement: SMARCE1 is on the minus strand). VCF-style: chr17-40632298-C-T. GRCh37 (hg19) VCF-style: chr17-38788550-C-T.
Other names: short protein forms S204N.
Identifiers: ClinVar variation 1751723 (VCV001751723.7), dbSNP rs2037102811, ClinGen allele CA399364759.
Genomic context (GRCh38, chr17:40,632,298, plus strand): 5'-ATTCTAGCTGTTGTGACAACTGACCGAACGTCTGGCACCACACTCTCACTAAGAATTTCA[C>T]TGATGAGGCGGTGGTTTCTCTGGAAACGGGCGGTGGCTGTATGCTTCATTGAAAAGCCAT-3'
Protein context (NP_003070.3, residues 194-214): ARFQRNHRLI[Ser204Asn]EILSESVVPD

ClinVar aggregate classification (germline): Uncertain significance. Review status: criteria provided, multiple submitters, no conflicts (2 of 4 stars). 2 submissions from 2 submitters: Uncertain significance (2). Last evaluated 2024-11-19.

Conditions:
Hereditary cancer-predisposing syndrome. Also called: Hereditary Cancer Syndrome; Hereditary neoplastic syndrome; Neoplastic Syndromes, Hereditary; Tumor predisposition. Identifiers: Orphanet 140162, MedGen C0027672, MeSH D009386, MONDO:0015356.
Familial meningioma. Also called: Meningioma, familial, susceptibility to. Identifiers: Orphanet 263662, MedGen C3551915, MONDO:0011789, OMIM 607174.

Allele frequency attached by ClinVar (database versions not stated): TOPMed below 0.00001.

Submissions (2):

Labcorp Genetics (formerly Invitae), Labcorp
Classification: Uncertain significance for Familial meningioma. Last evaluated: 2024-11-19. Review status: criteria provided, single submitter. Criteria: Invitae Variant Classification Sherloc (09022015). Collection method: clinical testing. Allele origin: germline.
Comment: This sequence change replaces serine, which is neutral and polar, with asparagine, which is neutral and polar, at codon 204 of the SMARCE1 protein (p.Ser204Asn). This variant is not present in population databases (gnomAD no frequency). This variant has not been reported in the literature in individuals affected with SMARCE1-related conditions. ClinVar contains an entry for this variant (Variation ID: 1751723). Invitae Evidence Modeling of protein sequence and biophysical properties (such as structural, functional, and spatial information, amino acid conservation, physicochemical variation, residue mobility, and thermodynamic stability) indicates that this missense variant is not expected to disrupt SMARCE1 protein function with a negative predictive value of 80%. In summary, the available evidence is currently insufficient to determine the role of this variant in disease. Therefore, it has been classified as a Variant of Uncertain Significance.

Ambry Genetics
Classification: Uncertain significance for Hereditary cancer-predisposing syndrome. Last evaluated: 2022-08-30. Review status: criteria provided, single submitter. Criteria: Ambry Variant Classification Scheme 2023. Collection method: clinical testing. Allele origin: germline.
Comment: The p.S204N variant (also known as c.611G>A), located in coding exon 7 of the SMARCE1 gene, results from a G to A substitution at nucleotide position 611. The serine at codon 204 is replaced by asparagine, an amino acid with highly similar properties. This amino acid position is highly conserved in available vertebrate species. In addition, this alteration is predicted to be tolerated by in silico analysis. Missense and in-frame variants in SMARCE1 are known to cause neurodevelopmental disorders; however, such associations with increased risk of meningiomas are exceedingly rare (Kosho T et al. Am J Med Genet C Semin Med Genet. 2014 Sep;166C(3):262-75; Smith JM et al. Nat Genet. 2013 Mar;45(3):295-8). Based on the supporting evidence, the association of this alteration with an increased risk of Coffin-Siris syndrome is unknown; however, the association of this alteration with meningiomas is unlikely.